The following is an entry in ClinVar:

ClinVar aggregate classification (germline): Pathogenic (1 of 4 stars; one submission).

Conditions:
Short-rib thoracic dysplasia 6 with or without polydactyly (SRTD6). Also called: SHORT-RIB THORACIC DYSPLASIA 6 WITHOUT POLYDACTYLY; Majewski Syndrome; SHORT-RIB THORACIC DYSPLASIA 6 WITH POLYDACTYLY; SHORT RIB-POLYDACTYLY SYNDROME, TYPE IIA; POLYDACTYLY WITH NEONATAL CHONDRODYSTROPHY, TYPE II. Identifiers: MedGen C0024507, MONDO:0009894, OMIM 263520.

Submission:

Labcorp Genetics (formerly Invitae), Labcorp
Classification: Pathogenic for Short-rib thoracic dysplasia 6 with or without polydactyly. Last evaluated: 2019-06-12. Review status: criteria provided, single submitter. Criteria: Invitae Variant Classification Sherloc (09022015). Collection method: clinical testing. Allele origin: germline.
Comment: Loss-of-function variants in NEK1 are known to be pathogenic (PMID: 22499340, 29068549). This variant has not been reported in the literature in individuals with NEK1-related conditions. This variant is not present in population databases (ExAC no frequency). This sequence change creates a premature translational stop signal (p.Glu529*) in the NEK1 gene. It is expected to result in an absent or disrupted protein product. For these reasons, this variant has been classified as Pathogenic.

Literature cited by the submitters: PubMed 22499340; PubMed 29068549.

NM_001199397.3(NEK1):c.1583_1584dup (p.Glu529Ter)

Gene: NEK1 (NIMA related kinase 1; minus strand). Cytogenetic location: 4q33.
Variant type: Duplication.
Coding change: c.1583_1584dup on transcript NM_001199397.3 (MANE Select); coding-DNA positions 1583 to 1584, 2 bases duplicated (TA; older notation c.1583_1584dupTA).
Protein change: p.Glu529Ter; replaces glutamic acid 529 with a stop codon.
Molecular consequence: nonsense. On other transcripts: non-coding transcript variant (1).
Genome position (GRCh38, 1-based): chr4:169,537,890-169,537,891, TA duplicated on the plus strand (TA on the coding strand, the reverse complement: NEK1 is on the minus strand). VCF-style (leftmost placement, unchanged base first): chr4-169537889-C-CTA. GRCh37 (hg19) VCF-style: chr4-170459040-C-CTA.
Other names: c.1451_1452dup, p.Glu485Ter (NM_001199398.3, NM_001199400.3); c.1376_1377dup, p.Glu460Ter (NM_001199399.3); c.1583_1584dup, p.Glu529Ter (NM_001374418.1, NM_001374419.1, NM_012224.4); c.1532_1533dup, p.Glu512Ter (NM_001374420.1); c.1457_1458dup, p.Glu487Ter (NM_001374421.1); short protein forms E460*, E485*, E487*, E512*, E529*.
Identifiers: ClinVar variation 944996 (VCV000944996.7), dbSNP rs1758763118, ClinGen allele CA1139658698.
Genomic context (GRCh38, chr4:169,537,889, plus strand): 5'-CTTTATTCTGCATAGCTTCCCGTTTTCGCTGCAGGAACTCTTCTACTTGTTTAGCTCTTT[C>CTA]TACAGCTAGCTGCCCTTTTTGCCTAATTTGGACAAATCACAAAGTCAGCCATCCTGAACA-3'